The following is an entry in ClinVar:

NM_004568.6(SERPINB6):c.945C>T (p.Val315=)

Gene: SERPINB6 (serpin family B member 6; minus strand). Cytogenetic location: 6p25.2.
Variant type: single nucleotide variant.
Coding change: c.945C>T on transcript NM_004568.6 (MANE Select); coding-DNA position 945, C replaced by T.
Protein change: p.Val315=; no amino-acid change (valine 315 retained).
Molecular consequence: synonymous variant. On other transcripts: non-coding transcript variant (1).
Genome position (GRCh38, 1-based): chr6:2,948,484, G>A on the plus strand (C>T on the coding strand, the complement: SERPINB6 is on the minus strand). VCF-style: chr6-2948484-G-A. GRCh37 (hg19) VCF-style: chr6-2948718-G-A.
Other names: c.957C>T, p.Val319= (NM_001195291.3, NM_001374515.1); c.987C>T, p.Val329= (NM_001271822.2); c.1002C>T, p.Val334= (NM_001271823.2); c.945C>T, p.Val315= (NM_001271824.2, NM_001271825.2, NM_001297699.2 and 2 more transcripts); c.813C>T, p.Val271= (NM_001374517.1).
Identifiers: ClinVar variation 4979039 (VCV004979039.1).

ClinVar aggregate classification (germline): Likely benign (1 of 4 stars; one submission).

Conditions:
SERPINB6-related disorder. Also called: SERPINB6-related condition.

gnomAD v4.1: 2 of 1,614,006 alleles (0.00012%); highest among the groups gnomAD compares: South Asian, 0.0011%; no homozygotes.

Submission:

PreventionGenetics, part of Exact Sciences
Classification: Likely benign for SERPINB6-related condition. Last evaluated: 2026-07-24. Review status: criteria provided, single submitter. Criteria: ACMG Guidelines, 2015. Collection method: clinical testing. Allele origin: germline.
Comment: This variant is classified as likely benign based on ACMG/AMP sequence variant interpretation guidelines (Richards et al. 2015 PMID: 25741868, with internal and published modifications).